The following is an entry in ClinVar:

ClinVar aggregate classification (germline): Uncertain significance (1 of 4 stars; one submission).

Submission:

Ambry Genetics
Classification: Uncertain significance. Last evaluated: 2025-08-19. Review status: criteria provided, single submitter. Criteria: Ambry Variant Classification Scheme 2023. Collection method: clinical testing. Allele origin: germline.
Comment: The p.Q150L variant (also known as c.449A>T), located in coding exon 4 of the RASA2 gene, results from an A to T substitution at nucleotide position 449. The glutamine at codon 150 is replaced by leucine, an amino acid with dissimilar properties. This amino acid position is conserved. In addition, this alteration is predicted to be deleterious by in silico analysis. Based on the available evidence, the clinical significance of this variant remains unclear.

NM_006506.5(RASA2):c.449A>T (p.Gln150Leu)

Gene: RASA2 (RAS p21 protein activator 2; plus strand). Cytogenetic location: 3q23.
Variant type: single nucleotide variant.
Coding change: c.449A>T on transcript NM_006506.5 (MANE Select); coding-DNA position 449, A replaced by T.
Protein change: p.Gln150Leu; replaces glutamine 150 with leucine.
Molecular consequence: missense variant.
Genome position (GRCh38, 1-based): chr3:141,529,801, A>T. VCF-style: chr3-141529801-A-T. GRCh37 (hg19) VCF-style: chr3-141248643-A-T.
Other names: c.449A>T, p.Gln150Leu (NM_001303245.3, NM_001303246.3); short protein forms Q150L.
Identifiers: ClinVar variation 4150736 (VCV004150736.1).